The following is an entry in ClinVar:

ClinVar aggregate classification (germline): Uncertain significance (1 of 4 stars; one submission).

Allele frequency attached by ClinVar (database versions not stated): gnomAD exomes below 0.00001; TOPMed 0.00001.
gnomAD v4.1: 2 of 1,210,927 alleles (0.00017%); highest among the groups gnomAD compares: East Asian, 0.003%; no homozygotes.

Submission:

GeneDx
Classification: Uncertain significance. Last evaluated: 2024-04-02. Review status: criteria provided, single submitter. Criteria: GeneDx Variant Classification Process June 2021. Collection method: clinical testing. Allele origin: germline. Affected: yes.
Comment: Not observed at significant frequency in large population cohorts (gnomAD); In silico analysis supports that this missense variant does not alter protein structure/function; Has not been previously published as pathogenic or benign to our knowledge

NM_031407.7(HUWE1):c.10267C>T (p.Pro3423Ser)

Gene: HUWE1 (HECT, UBA and WWE domain containing E3 ubiquitin protein ligase 1; minus strand). Cytogenetic location: Xp11.22.
Variant type: single nucleotide variant.
Coding change: c.10267C>T on transcript NM_031407.7 (MANE Select); coding-DNA position 10267, C replaced by T.
Protein change: p.Pro3423Ser; replaces proline 3423 with serine.
Molecular consequence: missense variant.
Genome position (GRCh38, 1-based): chrX:53,548,042, G>A on the plus strand (C>T on the coding strand, the complement: HUWE1 is on the minus strand). VCF-style: chrX-53548042-G-A. GRCh37 (hg19) VCF-style: chrX-53575003-G-A.
Other names: short protein forms P3423S.
Identifiers: ClinVar variation 2574439 (VCV002574439.2), dbSNP rs2061619510, ClinGen allele CA413136158.